The following is an entry in ClinVar:

ClinVar aggregate classification (germline): Uncertain significance (1 of 4 stars; one submission).

Submission:

Labcorp Genetics (formerly Invitae), Labcorp
Classification: Uncertain significance. Last evaluated: 2022-10-05. Review status: criteria provided, single submitter. Criteria: Invitae Variant Classification Sherloc (09022015). Collection method: clinical testing. Allele origin: germline.
Comment: In summary, the available evidence is currently insufficient to determine the role of this variant in disease. Therefore, it has been classified as a Variant of Uncertain Significance. Advanced modeling of protein sequence and biophysical properties (such as structural, functional, and spatial information, amino acid conservation, physicochemical variation, residue mobility, and thermodynamic stability) performed at Invitae indicates that this missense variant is not expected to disrupt ADGRV1 protein function. ClinVar contains an entry for this variant (Variation ID: 1042352). This variant has not been reported in the literature in individuals affected with ADGRV1-related conditions. This variant is not present in population databases (gnomAD no frequency). This sequence change replaces valine, which is neutral and non-polar, with isoleucine, which is neutral and non-polar, at codon 4628 of the ADGRV1 protein (p.Val4628Ile).

NM_032119.4(ADGRV1):c.13882G>A (p.Val4628Ile)

Gene: ADGRV1 (adhesion G protein-coupled receptor V1; plus strand). Cytogenetic location: 5q14.3.
Variant type: single nucleotide variant.
Coding change: c.13882G>A on transcript NM_032119.4 (MANE Select); coding-DNA position 13882, G replaced by A.
Protein change: p.Val4628Ile; replaces valine 4628 with isoleucine.
Molecular consequence: missense variant. On other transcripts: non-coding transcript variant (1).
Genome position (GRCh38, 1-based): chr5:90,788,299, G>A. VCF-style: chr5-90788299-G-A. GRCh37 (hg19) VCF-style: chr5-90084116-G-A.
Other names: short protein forms V4628I.
Identifiers: ClinVar variation 1042352 (VCV001042352.8), dbSNP rs1759698529, ClinGen allele CA360396939.